The following is an entry in ClinVar:

GRCh38/hg38 7q36.3(chr7:158592426-159327017)x1

Genes: DYNC2I1 (dynein 2 intermediate chain 1; plus strand), ESYT2 (extended synaptotagmin 2; minus strand), LINC00689 (long intergenic non-protein coding RNA 689; plus strand), NCAPG2 (non-SMC condensin II complex subunit G2; minus strand), VIPR2 (vasoactive intestinal peptide receptor 2; minus strand) and 26 more. Cytogenetic location: 7q36.3.
Variant type: copy number loss.
Change: copy number 1 (one copy instead of two) of chr7:158,592,426-159,327,017 (734.6 kb, GRCh38 coordinates, 1-based), cytogenetic band 7q36.3.
Identifiers: ClinVar variation 4796366 (VCV004796366.1).

ClinVar aggregate classification (germline): Uncertain significance (1 of 4 stars; one submission).

Submission:

Medical Genetic Center, Changzhi Maternal and Child Health Care Hospital
Classification: Uncertain significance. Last evaluated: 2025-12-10. Review status: criteria provided, single submitter. Criteria: ACMG/ClinGen CNV Guidelines, 2019. Collection method: clinical testing. Allele origin: unknown.